The following is an entry in ClinVar:

ClinVar aggregate classification (germline): Pathogenic (1 of 4 stars; one submission).

Conditions:
Autosomal recessive osteopetrosis 1. Also called: ALBERS-SCHONBERG DISEASE, AUTOSOMAL RECESSIVE; TCIRG1-Related Autosomal Recessive Osteopetrosis; TCIRG1-Related Osteopetrosis. Identifiers: Orphanet 667, MedGen C1850127, MONDO:0009815, OMIM 259700.

Submission:

Myriad Genetics, Inc.
Classification: Pathogenic for Autosomal recessive osteopetrosis 1. Last evaluated: 2023-09-27. Review status: criteria provided, single submitter. Criteria: Myriad Autosomal Dominant, Autosomal Recessive and X-Linked Classification Criteria (2023). Collection method: clinical testing. Allele origin: unknown.
Comment: NM_006019.3(TCIRG1):c.1461dupG(S488Efs*2) is expected to be pathogenic in the context of autosomal recessive osteopetrosis type 1. This variant is predicted to lead to an abnormal or absent protein product due to the creation of a premature termination codon in TCIRG1, a gene where loss-of-function variants are known to be pathogenic. Please note: this variant was assessed in the context of healthy population screening.

NM_006019.4(TCIRG1):c.1461dup (p.Ser488fs)

Gene: TCIRG1 (T cell immune regulator 1, ATPase H+ transporting V0 subunit a3; plus strand). Cytogenetic location: 11q13.2.
Variant type: Duplication.
Coding change: c.1461dup on transcript NM_006019.4 (MANE Select); coding-DNA position 1461, one base duplicated (G; older notation c.1461dupG).
Protein change: p.Ser488fs; shifts the reading frame from serine 488.
Molecular consequence: frameshift variant. On other transcripts: intron variant (2).
Genome position (GRCh38, 1-based): chr11:68,047,802, G duplicated; the last of 2 consecutive G bases (chr11:68,047,801-68,047,802); duplicating either gives the same sequence. VCF-style (leftmost placement, unchanged base first): chr11-68047800-T-TG. GRCh37 (hg19) VCF-style: chr11-67815267-T-TG.
Other names: c.567dup, p.Ser190fs (NM_001351059.2); c.1461dup, p.Ser488fs (NM_001440552.1, NM_001440553.1, NM_001440554.1 and 2 more transcripts); c.1419dup, p.Ser474fs (NM_001440555.1, NM_001440556.1, NM_001440563.1); c.1248dup, p.Ser417fs (NM_001440559.1, NM_001440560.1, NM_001440561.1 and 2 more transcripts); c.1206dup, p.Ser403fs (NM_001440564.1); c.1161dup, p.Ser388fs (NM_001440565.1); c.993dup, p.Ser332fs (NM_001440568.1); c.813dup, p.Ser272fs (NM_006053.4); and 2 more; short protein forms S190fs, S272fs, S332fs, S388fs, S403fs, S417fs, S474fs, S488fs.
Identifiers: ClinVar variation 5012290 (VCV005012290.1).